The following is an entry in ClinVar:

NM_021930.6(RINT1):c.1270A>T (p.Ser424Cys)

Gene: RINT1 (RAD50 interactor 1; plus strand). Cytogenetic location: 7q22.3.
Variant type: single nucleotide variant.
Coding change: c.1270A>T on transcript NM_021930.6 (MANE Select); coding-DNA position 1270, A replaced by T.
Protein change: p.Ser424Cys; replaces serine 424 with cysteine.
Molecular consequence: missense variant. On other transcripts: non-coding transcript variant (1).
Genome position (GRCh38, 1-based): chr7:105,550,423, A>T. VCF-style: chr7-105550423-A-T. GRCh37 (hg19) VCF-style: chr7-105190870-A-T.
Other names: c.1036A>T, p.Ser346Cys (NM_001346599.2); c.247A>T, p.Ser83Cys (NM_001346600.2, NM_001346603.2); c.346A>T, p.Ser116Cys (NM_001346601.2); short protein forms S424C, S116C, S346C, S83C.
Identifiers: ClinVar variation 410792 (VCV000410792.13), dbSNP rs537650844, ClinGen allele CA4426632.

ClinVar aggregate classification (germline): Uncertain significance. Review status: criteria provided, multiple submitters, no conflicts (2 of 4 stars). 2 submissions from 2 submitters: Uncertain significance (2). Last evaluated 2025-07-07.

Allele frequency attached by ClinVar (database versions not stated): ExAC 0.00002; gnomAD 0.00003; gnomAD exomes 0.00003; TOPMed 0.00004.
gnomAD v4.1: 78 of 1,614,032 alleles (0.0048%); highest among the groups gnomAD compares: Non-Finnish European, 0.0065%; no homozygotes.

Submissions (2):

Labcorp Genetics (formerly Invitae), Labcorp
Classification: Uncertain significance. Last evaluated: 2025-07-07. Review status: criteria provided, single submitter. Criteria: Invitae Variant Classification Sherloc (09022015). Collection method: clinical testing. Allele origin: germline.
Comment: This sequence change replaces serine, which is neutral and polar, with cysteine, which is neutral and slightly polar, at codon 424 of the RINT1 protein (p.Ser424Cys). This variant is present in population databases (rs537650844, gnomAD 0.008%). This missense change has been observed in individual(s) with breast cancer (PMID: 25050558, 27544226). ClinVar contains an entry for this variant (Variation ID: 410792). An algorithm developed to predict the effect of missense changes on protein structure and function (PolyPhen-2) suggests that this variant is likely to be tolerated. In summary, the available evidence is currently insufficient to determine the role of this variant in disease. Therefore, it has been classified as a Variant of Uncertain Significance.

Ambry Genetics
Classification: Uncertain significance. Last evaluated: 2025-01-01. Review status: criteria provided, single submitter. Criteria: Ambry Variant Classification Scheme 2023. Collection method: clinical testing. Allele origin: germline.
Comment: The p.S424C variant (also known as c.1270A>T), located in coding exon 9 of the RINT1 gene, results from an A to T substitution at nucleotide position 1270. The serine at codon 424 is replaced by cysteine, an amino acid with dissimilar properties. This variant has been detected in beast cancer cohorts (Park DJ et al. Cancer Discov, 2014 Jul;4:804-15; Li N et al. Breast Cancer Res Treat, 2016 09;159:385-92). This amino acid position is poorly conserved in available vertebrate species. In addition, this alteration is predicted to be tolerated by in silico analysis. Since supporting evidence is limited at this time, the clinical significance of this alteration remains unclear.

Literature cited by the submitters: PubMed 25050558 (cited by Labcorp Genetics (formerly Invitae), Labcorp and Ambry Genetics); PubMed 27544226 (cited by Labcorp Genetics (formerly Invitae), Labcorp and Ambry Genetics).